The following is an entry in ClinVar:

NM_005502.4(ABCA1):c.303-42_303-5dup

Gene: ABCA1 (ATP binding cassette subfamily A member 1; minus strand). Cytogenetic location: 9q31.1.
Variant type: Duplication.
Coding change: c.303-42_303-5dup on transcript NM_005502.4 (MANE Select); 42 bases into the intron before coding-DNA position 303 through 5 bases into the intron before coding-DNA position 303, 38 bases duplicated.
Molecular consequence: intron variant.
Genome position (GRCh38, 1-based): chr9:104,883,162-104,883,199, 38 bases duplicated; duplicating any 38 consecutive bases within chr9:104,883,162-104,883,201 gives the same sequence; the c. name uses the placement nearest the transcript's 3' end. GRCh37 (hg19): chr9:107,645,445-107,645,482.
Other names: c.303-42_303-5dupGGCCTAGCTAAAGCCTTTCGCCTTTTCTTGCACCCTTT (NM_005502.3).
Identifiers: ClinVar variation 981088 (VCV000981088.13), dbSNP rs539194794, ClinGen allele CA5169435.
Genomic context (GRCh38, chr9:104,883,161, plus strand): 5'-GTGTCTTTCTGGCTGTATAAAAGAAGCCTCCGAGCATCTGAGAACAGGCGAGCCACACTG[T>TAAAGGGTGCAAGAAAAGGCGAAAGGCTTTAGCTAGGCC]AAAGGGTGCAAGAAAAGGCGAAAGGCTTTAGCTAGGCCAACTGCCTCTGCTGCTTTACAG-3'

ClinVar aggregate classification (germline): Benign/Likely benign. Review status: criteria provided, multiple submitters, no conflicts (2 of 4 stars). 5 submissions from 5 submitters: Benign (2); Likely benign (2). 1 of the submissions does not count toward it. Last evaluated 2026-01-14.

Conditions:
ABCA1-related disorder. Also called: ABCA1-related condition; ABCA1-related disorders. Identifiers: MedGen CN239173.
Cardiovascular phenotype. Identifiers: MedGen CN230736.

Submissions (5):

Labcorp Genetics (formerly Invitae), Labcorp
Classification: Benign. Last evaluated: 2026-01-14. Review status: criteria provided, single submitter. Criteria: Invitae Variant Classification Sherloc (09022015). Collection method: clinical testing. Allele origin: germline.

Blueprint Genetics
Classification: Likely benign. Last evaluated: 2024-02-12. Review status: criteria provided, single submitter. Criteria: ACMG Guidelines, 2015. Collection method: clinical testing. Allele origin: germline.

Ambry Genetics
Classification: Likely benign for Cardiovascular phenotype. Last evaluated: 2023-03-15. Review status: criteria provided, single submitter. Criteria: Ambry Variant Classification Scheme 2023. Collection method: clinical testing. Allele origin: germline.

Women's Health and Genetics/Laboratory Corporation of America, LabCorp
Classification: Benign. Last evaluated: 2020-09-24. Review status: criteria provided, single submitter. Criteria: LabCorp Variant Classification Summary - May 2015. Collection method: clinical testing. Allele origin: germline.
Comment: Variant summary: ABCA1 c.303-42_303-5dup38 alters a nucleotide located close to a canonical splice site and therefore could affect mRNA splicing, leading to a significantly altered protein sequence. 4/4 computational tools predict no significant impact on normal splicing. However, these predictions have yet to be confirmed by functional studies. The variant allele was found at a frequency of 0.00041 in 251440 control chromosomes, predominantly at a frequency of 0.0063 within the African or African-American subpopulation in the gnomAD database. The observed variant frequency within African or African-American control individuals in the gnomAD database is approximately 504-fold of the estimated maximal expected allele frequency for a pathogenic variant in ABCA1 causing Early Onset Coronary Artery Disease phenotype (1.3e-05), strongly suggesting that the variant is a benign polymorphism found primarily in populations of African or African-American origin. To our knowledge, no occurrence of c.303-42_303-5dup38 in individuals affected with Early Onset Coronary Artery Disease and no experimental evidence demonstrating its impact on protein function have been reported. No clinical diagnostic laboratories have submitted clinical-significance assessments for this variant to ClinVar after 2014. Based on the evidence outlined above, the variant was classified as benign.

PreventionGenetics, part of Exact Sciences
Classification: Likely benign for ABCA1-related condition. Last evaluated: 2019-12-23. Review status: no assertion criteria provided. Collection method: clinical testing. Allele origin: germline. Not counted in ClinVar's aggregate classification.
Comment: This variant is classified as likely benign based on ACMG/AMP sequence variant interpretation guidelines (Richards et al. 2015 PMID: 25741868, with internal and published modifications).